The following is an entry in ClinVar:

NM_004006.3(DMD):c.3850G>T (p.Glu1284Ter)

Gene: DMD (dystrophin; minus strand). Cytogenetic location: Xp21.1.
Variant type: single nucleotide variant.
Coding change: c.3850G>T on transcript NM_004006.3 (MANE Select); coding-DNA position 3850, G replaced by T.
Protein change: p.Glu1284Ter; replaces glutamic acid 1284 with a stop codon.
Molecular consequence: nonsense.
Genome position (GRCh38, 1-based): chrX:32,441,251, C>A on the plus strand (G>T on the coding strand, the complement: DMD is on the minus strand). VCF-style: chrX-32441251-C-A. GRCh37 (hg19) VCF-style: chrX-32459368-C-A.
Other names: c.3826G>T, p.Glu1276Ter (NM_000109.4); c.3838G>T, p.Glu1280Ter (NM_004009.3); c.3481G>T, p.Glu1161Ter (NM_004010.3); short protein forms E1161*, E1276*, E1280*, E1284*.
Identifiers: ClinVar variation 1322482 (VCV001322482.13), dbSNP rs1557359192, ClinGen allele CA412670416.

ClinVar aggregate classification (germline): Pathogenic/Likely pathogenic. Review status: criteria provided, multiple submitters, no conflicts (2 of 4 stars). 3 submissions from 3 submitters: Pathogenic (2); Likely pathogenic (1). Last evaluated 2025-12-22.

Conditions:
Duchenne muscular dystrophy (DMD). Also called: Duchenne Muscular Dystrophy (DMD); MUSCULAR DYSTROPHY, PSEUDOHYPERTROPHIC PROGRESSIVE, DUCHENNE TYPE. Identifiers: Orphanet 98896, MedGen C0013264, MONDO:0010679, OMIM 310200.

Submissions (3):

Labcorp Genetics (formerly Invitae), Labcorp
Classification: Pathogenic for Duchenne muscular dystrophy. Last evaluated: 2025-12-22. Review status: criteria provided, single submitter. Criteria: Invitae Variant Classification Sherloc (09022015). Collection method: clinical testing. Allele origin: germline.
Comment: This sequence change creates a premature translational stop signal (p.Glu1284*) in the DMD gene. It is expected to result in an absent or disrupted protein product. Loss-of-function variants in DMD are known to be pathogenic (PMID: 16770791, 25007885). This variant is not present in population databases (gnomAD no frequency). This premature translational stop signal has been observed in individual(s) with Becker muscular dystrophy (PMID: 23536893). ClinVar contains an entry for this variant (Variation ID: 1322482). Algorithms developed to predict the effect of sequence changes on RNA splicing suggest that this variant may disrupt the consensus splice site. For these reasons, this variant has been classified as Pathogenic.

GeneDx
Classification: Likely pathogenic. Last evaluated: 2025-07-31. Review status: criteria provided, single submitter. Criteria: GeneDx Variant Classification Process June 2021. Collection method: clinical testing. Allele origin: germline.
Comment: Not observed at significant frequency in large population cohorts (gnomAD); Nonsense variant predicted to result in protein truncation; immunolabeling of muscle biopsy showed reduced protein expression compared to wild type and RNA analysis identified a combination of full length and two different truncated transcripts consistent with skipping of exons 28 or exons 28 and 29 (PMID: 23536893); Based on the understanding of this genetic alteration, it may be amenable to nonsense read-through therapy that is currently available or in clinical trial; This variant is associated with the following publications: (PMID: 26968818, 23536893, 37011981)

Revvity Omics, Revvity
Classification: Pathogenic. Last evaluated: 2019-05-13. Review status: criteria provided, single submitter. Criteria: ACMG Guidelines, 2015. Collection method: clinical testing. Allele origin: germline.

Literature cited by the submitters: PubMed 16770791 (cited by Labcorp Genetics (formerly Invitae), Labcorp); PubMed 25007885 (cited by Labcorp Genetics (formerly Invitae), Labcorp); PubMed 23536893 (cited by Labcorp Genetics (formerly Invitae), Labcorp).